The following is an entry in ClinVar:

NM_007294.4(BRCA1):c.3151A>C (p.Thr1051Pro)

Gene: BRCA1 (BRCA1 DNA repair associated; minus strand). Cytogenetic location: 17q21.31.
Variant type: single nucleotide variant.
Coding change: c.3151A>C on transcript NM_007294.4 (MANE Select); coding-DNA position 3151, A replaced by C.
Protein change: p.Thr1051Pro; replaces threonine 1051 with proline.
Molecular consequence: missense variant. On other transcripts: intron variant (137).
Genome position (GRCh38, 1-based): chr17:43,092,380, T>G on the plus strand (A>C on the coding strand, the complement: BRCA1 is on the minus strand). VCF-style: chr17-43092380-T-G. GRCh37 (hg19) VCF-style: chr17-41244397-T-G.
Other names: c.2938A>C, p.Thr980Pro (NM_001407571.1, NM_001407853.1, NM_001407894.1 and 9 more transcripts); c.3151A>C, p.Thr1051Pro (NM_001407581.1, NM_001407582.1, NM_001407583.1 and 30 more transcripts); c.3148A>C, p.Thr1050Pro (NM_001407587.1, NM_001407590.1, NM_001407591.1 and 22 more transcripts); c.3142A>C, p.Thr1048Pro (NM_001407646.1, NM_001407647.1); c.3028A>C, p.Thr1010Pro (NM_001407648.1, NM_001407664.1, NM_001407665.1 and 19 more transcripts); c.3025A>C, p.Thr1009Pro (NM_001407649.1, NM_001407670.1, NM_001407671.1 and 11 more transcripts); c.3073A>C, p.Thr1025Pro (NM_001407653.1, NM_001407654.1, NM_001407655.1 and 4 more transcripts); c.3070A>C, p.Thr1024Pro (NM_001407659.1, NM_001407660.1, NM_001407661.1 and 1 more transcripts); and 41 more; short protein forms T1003P, T1050P, T1051P, T962P, T980P, T981P, T984P, T1004P.
Identifiers: ClinVar variation 2111609 (VCV002111609.6), dbSNP rs398122671, ClinGen allele CA10595680.

ClinVar aggregate classification (germline): Conflicting classifications of pathogenicity. Review status: criteria provided, conflicting classifications (1 of 4 stars). 2 submissions from 2 submitters: Uncertain significance (1); Likely benign (1). Last evaluated 2023-03-23.

Conditions:
Hereditary cancer-predisposing syndrome. Also called: Neoplastic Syndromes, Hereditary; Hereditary Cancer Syndrome; Hereditary neoplastic syndrome; Tumor predisposition. Identifiers: Orphanet 140162, MedGen C0027672, MeSH D009386, MONDO:0015356.
Hereditary breast ovarian cancer syndrome. Also called: Hereditary breast and ovarian cancer syndrome; BRCA1- and BRCA2-Associated Hereditary Breast and Ovarian Cancer; Hereditary breast and ovarian cancer; Hereditary breast and/or ovarian cancer syndrome; Hereditary breast and ovarian cancer syndrome (HBOC); Breast and ovarian cancer. Identifiers: Orphanet 145, MedGen C0677776, MeSH D061325, MONDO:0003582. Disease mechanism: loss of function.

Submissions (2):

University of Washington Department of Laboratory Medicine, University of Washington
Classification: Likely benign for Hereditary cancer-predisposing syndrome. Last evaluated: 2023-03-23. Review status: criteria provided, single submitter. Criteria: Dines et al. (Genet Med. 2020). Collection method: curation. Allele origin: germline.
Comment: Missense variant in a coldspot region where missense variants are very unlikely to be pathogenic (PMID:31911673).

BRCA1 coldspot (exon 11 using historical exon numbering). Reclassification based on statistical prior probability

Labcorp Genetics (formerly Invitae), Labcorp
Classification: Uncertain significance for Hereditary breast ovarian cancer syndrome. Last evaluated: 2022-03-14. Review status: criteria provided, single submitter. Criteria: Invitae Variant Classification Sherloc (09022015). Collection method: clinical testing. Allele origin: germline.
Comment: Advanced modeling of protein sequence and biophysical properties (such as structural, functional, and spatial information, amino acid conservation, physicochemical variation, residue mobility, and thermodynamic stability) performed at Invitae indicates that this missense variant is not expected to disrupt BRCA1 protein function. This variant has not been reported in the literature in individuals affected with BRCA1-related conditions. This variant is not present in population databases (gnomAD no frequency). This sequence change replaces threonine, which is neutral and polar, with proline, which is neutral and non-polar, at codon 1051 of the BRCA1 protein (p.Thr1051Pro). In summary, the available evidence is currently insufficient to determine the role of this variant in disease. Therefore, it has been classified as a Variant of Uncertain Significance.